The following is an entry in ClinVar:

ClinVar aggregate classification (germline): Likely benign. Review status: criteria provided, single submitter (1 of 4 stars). 2 submissions from 2 submitters: Likely benign (1). 1 of the submissions does not count toward it. Last evaluated 2025-12-31.

Conditions:
SLC34A3-related disorder. Also called: SLC34A3-related condition.

Allele frequency attached by ClinVar (database versions not stated): gnomAD 0.00001; ExAC 0.00002; TOPMed 0.00003; gnomAD exomes 0.00004.
gnomAD v4.1: 55 of 1,598,932 alleles (0.0034%); highest among the groups gnomAD compares: South Asian, 0.012%; 1 homozygote.

Submissions (2):

Labcorp Genetics (formerly Invitae), Labcorp
Classification: Likely benign. Last evaluated: 2025-12-31. Review status: criteria provided, single submitter. Criteria: Invitae Variant Classification Sherloc (09022015). Collection method: clinical testing. Allele origin: germline.

PreventionGenetics, part of Exact Sciences
Classification: Likely benign for SLC34A3-related condition. Last evaluated: 2019-09-11. Review status: no assertion criteria provided. Collection method: clinical testing. Allele origin: germline. Not counted in ClinVar's aggregate classification.
Comment: This variant is classified as likely benign based on ACMG/AMP sequence variant interpretation guidelines (Richards et al. 2015 PMID: 25741868, with internal and published modifications).

NM_001177316.2(SLC34A3):c.1122C>T (p.Gly374=)

Gene: SLC34A3 (solute carrier family 34 member 3; plus strand). Cytogenetic location: 9q34.3.
Variant type: single nucleotide variant.
Coding change: c.1122C>T on transcript NM_001177316.2 (MANE Select); coding-DNA position 1122, C replaced by T.
Protein change: p.Gly374=; no amino-acid change (glycine 374 retained).
Molecular consequence: synonymous variant.
Genome position (GRCh38, 1-based): chr9:137,234,444, C>T. VCF-style: chr9-137234444-C-T. GRCh37 (hg19) VCF-style: chr9-140128896-C-T.
Other names: c.1122C>T (NM_080877.2); c.1122C>T, p.Gly374= (NM_001177317.2, NM_080877.3).
Identifiers: ClinVar variation 2707808 (VCV002707808.5), dbSNP rs764008678, ClinGen allele CA5364805.